The following is an entry in ClinVar:

ClinVar aggregate classification (germline): Uncertain significance (1 of 4 stars; one submission).

Submission:

GeneDx
Classification: Uncertain significance. Last evaluated: 2026-08-19. Review status: criteria provided, single submitter. Criteria: GeneDx Variant Classification Process June 2021. Collection method: clinical testing. Allele origin: germline.
Comment: Not observed at significant frequency in large population cohorts (gnomAD); In silico analysis supports that this missense variant has a deleterious effect on protein structure/function; This substitution is predicted to be in the cytoplasmic loop between the first and second homologous domains; Has not been previously published as pathogenic or benign to our knowledge

NM_001040142.2(SCN2A):c.1793A>G (p.His598Arg)

Gene: SCN2A (sodium voltage-gated channel alpha subunit 2; plus strand). Cytogenetic location: 2q24.3.
Variant type: single nucleotide variant.
Coding change: c.1793A>G on transcript NM_001040142.2 (MANE Select); coding-DNA position 1793, A replaced by G.
Protein change: p.His598Arg; replaces histidine 598 with arginine.
Molecular consequence: missense variant.
Genome position (GRCh38, 1-based): chr2:165,323,277, A>G. VCF-style: chr2-165323277-A-G. GRCh37 (hg19) VCF-style: chr2-166179787-A-G.
Other names: c.1793A>G, p.His598Arg (NM_001040143.2, NM_001371246.1, NM_001371247.1 and 1 more transcripts); short protein forms H598R.
Identifiers: ClinVar variation 1803603 (VCV001803603.2), dbSNP rs2467933680, ClinGen allele CA349026800.